The following is an entry in ClinVar:

NM_014391.3(ANKRD1):c.64G>A (p.Glu22Lys)

Gene: ANKRD1 (ankyrin repeat domain 1; minus strand). Cytogenetic location: 10q23.31.
Variant type: single nucleotide variant.
Coding change: c.64G>A on transcript NM_014391.3 (MANE Select); coding-DNA position 64, G replaced by A.
Protein change: p.Glu22Lys; replaces glutamic acid 22 with lysine.
Molecular consequence: missense variant.
Genome position (GRCh38, 1-based): chr10:90,920,312, C>T on the plus strand (G>A on the coding strand, the complement: ANKRD1 is on the minus strand). VCF-style: chr10-90920312-C-T. GRCh37 (hg19) VCF-style: chr10-92680069-C-T.
Other names: short protein forms E22K.
Identifiers: ClinVar variation 655188 (VCV000655188.6), dbSNP rs1589510880, ClinGen allele CA377554096.

ClinVar aggregate classification (germline): Uncertain significance (1 of 4 stars; one submission).

Conditions:
ANKRD1-related dilated cardiomyopathy. Identifiers: MedGen CN119551.

Allele frequency attached by ClinVar (database versions not stated): gnomAD exomes below 0.00001.
gnomAD v4.1: 2 of 1,614,178 alleles (0.00012%); highest among the groups gnomAD compares: East Asian, 0.0045%; no homozygotes.

Submission:

Labcorp Genetics (formerly Invitae), Labcorp
Classification: Uncertain significance for ANKRD1-related dilated cardiomyopathy. Last evaluated: 2024-06-17. Review status: criteria provided, single submitter. Criteria: Invitae Variant Classification Sherloc (09022015). Collection method: clinical testing. Allele origin: germline.
Comment: This sequence change replaces glutamic acid, which is acidic and polar, with lysine, which is basic and polar, at codon 22 of the ANKRD1 protein (p.Glu22Lys). This variant is not present in population databases (gnomAD no frequency). This variant has not been reported in the literature in individuals affected with ANKRD1-related conditions. ClinVar contains an entry for this variant (Variation ID: 655188). An algorithm developed to predict the effect of missense changes on protein structure and function (PolyPhen-2) suggests that this variant is likely to be tolerated. In summary, the available evidence is currently insufficient to determine the role of this variant in disease. Therefore, it has been classified as a Variant of Uncertain Significance.